The following is an entry in ClinVar:

NM_000350.3(ABCA4):c.434G>C (p.Arg145Thr)

Gene: ABCA4 (ATP binding cassette subfamily A member 4; minus strand). Cytogenetic location: 1p22.1.
Variant type: single nucleotide variant.
Coding change: c.434G>C on transcript NM_000350.3 (MANE Select); coding-DNA position 434, G replaced by C.
Protein change: p.Arg145Thr; replaces arginine 145 with threonine.
Molecular consequence: missense variant.
Genome position (GRCh38, 1-based): chr1:94,108,585, C>G on the plus strand (G>C on the coding strand, the complement: ABCA4 is on the minus strand). VCF-style: chr1-94108585-C-G. GRCh37 (hg19) VCF-style: chr1-94574141-C-G.
Other names: c.434G>C, p.Arg145Thr (NM_001425324.1); short protein forms R145T.
Identifiers: ClinVar variation 3633571 (VCV003633571.2).

ClinVar aggregate classification (germline): Uncertain significance (1 of 4 stars; one submission).

Submission:

Labcorp Genetics (formerly Invitae), Labcorp
Classification: Uncertain significance. Last evaluated: 2024-10-10. Review status: criteria provided, single submitter. Criteria: Invitae Variant Classification Sherloc (09022015). Collection method: clinical testing. Allele origin: germline.
Comment: This sequence change replaces arginine, which is basic and polar, with threonine, which is neutral and polar, at codon 145 of the ABCA4 protein (p.Arg145Thr). This variant is not present in population databases (gnomAD no frequency). This variant has not been reported in the literature in individuals affected with ABCA4-related conditions. Invitae Evidence Modeling of protein sequence and biophysical properties (such as structural, functional, and spatial information, amino acid conservation, physicochemical variation, residue mobility, and thermodynamic stability) indicates that this missense variant is not expected to disrupt ABCA4 protein function with a negative predictive value of 95%. In summary, the available evidence is currently insufficient to determine the role of this variant in disease. Therefore, it has been classified as a Variant of Uncertain Significance.